The following is an entry in ClinVar:

NM_198578.4(LRRK2):c.3428C>T (p.Ser1143Phe)

Gene: LRRK2 (leucine rich repeat kinase 2; plus strand). Cytogenetic location: 12q12.
Variant type: single nucleotide variant.
Coding change: c.3428C>T on transcript NM_198578.4 (MANE Select); coding-DNA position 3428, C replaced by T.
Protein change: p.Ser1143Phe; replaces serine 1143 with phenylalanine.
Molecular consequence: missense variant.
Genome position (GRCh38, 1-based): chr12:40,299,189, C>T. VCF-style: chr12-40299189-C-T. GRCh37 (hg19) VCF-style: chr12-40692991-C-T.
Other names: short protein forms S1143F.
Identifiers: ClinVar variation 3229611 (VCV003229611.1), dbSNP rs2499756906, ClinGen allele CA384415769.

ClinVar aggregate classification (germline): Uncertain significance (1 of 4 stars; one submission).

Conditions:
Inborn genetic diseases. Identifiers: MedGen C0950123, MeSH D030342.

Submission:

Ambry Genetics
Classification: Uncertain significance for Inborn genetic diseases. Last evaluated: 2024-01-24. Review status: criteria provided, single submitter. Criteria: Ambry Variant Classification Scheme 2023. Collection method: clinical testing. Allele origin: germline.
Comment: The p.S1143F variant (also known as c.3428C>T), located in coding exon 25 of the LRRK2 gene, results from a C to T substitution at nucleotide position 3428. The serine at codon 1143 is replaced by phenylalanine, an amino acid with highly dissimilar properties. This amino acid position is conserved. In addition, this alteration is predicted to be tolerated by in silico analysis. Based on the available evidence, the clinical significance of this alteration remains unclear.